The following is an entry in ClinVar:

NM_004881.5(TP53I3):c.603G>A (p.Thr201=)

Genes: FAM228B (family with sequence similarity 228 member B; plus strand), TP53I3 (tumor protein p53 inducible protein 3; minus strand). Cytogenetic location: 2p23.3.
Variant type: single nucleotide variant.
Coding change: c.603G>A on transcript NM_004881.5 (MANE Select); coding-DNA position 603, G replaced by A.
Protein change: p.Thr201=; no amino-acid change (threonine 201 retained).
Molecular consequence: synonymous variant. On other transcripts: intron variant (1).
Genome position (GRCh38, 1-based): chr2:24,080,835, C>T on the plus strand (G>A on the coding strand, the complement: TP53I3 is on the minus strand). VCF-style: chr2-24080835-C-T. GRCh37 (hg19) VCF-style: chr2-24303705-C-T.
Other names: c.603G>A, p.Thr201= (NM_001206802.2, NM_147184.4); c.-289-41C>T (NM_001291328.2).
Identifiers: ClinVar variation 3050861 (VCV003050861.2), dbSNP rs138677805, ClinGen allele CA1549600.

ClinVar aggregate classification (germline): Benign (0 of 4 stars; one submission).

Conditions:
TP53I3-related disorder. Also called: TP53I3-related condition.

Allele frequency attached by ClinVar (database versions not stated): gnomAD exomes 0.00029; TOPMed 0.00349; 1000 Genomes Project 30x 0.00203; gnomAD 0.00261; ExAC 0.00087; 1000 Genomes Project 0.00200; ESP Exome Variant Server 0.00246.
gnomAD v4.1: 833 of 1,614,142 alleles (0.052%); highest among the groups gnomAD compares: African/African-American, 0.96%; 6 homozygotes.

Submission:

PreventionGenetics, part of Exact Sciences
Classification: Benign for TP53I3-related condition. Last evaluated: 2019-12-18. Review status: no assertion criteria provided. Collection method: clinical testing. Allele origin: germline.
Comment: This variant is classified as benign based on ACMG/AMP sequence variant interpretation guidelines (Richards et al. 2015 PMID: 25741868, with internal and published modifications).